The following is an entry in ClinVar:

NM_006084.5(IRF9):c.804G>A (p.Thr268=)

Gene: IRF9 (interferon regulatory factor 9; plus strand). Cytogenetic location: 14q12.
Variant type: single nucleotide variant.
Coding change: c.804G>A on transcript NM_006084.5 (MANE Select); coding-DNA position 804, G replaced by A.
Protein change: p.Thr268=; no amino-acid change (threonine 268 retained).
Molecular consequence: synonymous variant. On other transcripts: intron variant (1).
Genome position (GRCh38, 1-based): chr14:24,164,768, G>A. VCF-style: chr14-24164768-G-A. GRCh37 (hg19) VCF-style: chr14-24633977-G-A.
Other names: c.831G>A, p.Thr277= (NM_001385400.1, NM_001385401.1); c.650-109G>A (NM_001385402.1); c.804G>A (NM_006084.4).
Identifiers: ClinVar variation 1559150 (VCV001559150.11), dbSNP rs536651764, ClinGen allele CA7126560.
Genomic context (GRCh38, chr14:24,164,768, plus strand): 5'-AGGCTCTGAGAGCAGCATGGAGCAGGTGCTGTTCCCCAAGCCTGGCCCACTGGAGCCCAC[G>A]CAGCGCCTGCTGAGCCAGCTTGAGAGGGGCATCCTAGTGGCCAGCAACCCCCGAGGCCTC-3'
Protein context (NP_006075.3, residues 258-278): LFPKPGPLEP[Thr268=]QRLLSQLERG

ClinVar aggregate classification (germline): Likely benign. Review status: criteria provided, multiple submitters, no conflicts (2 of 4 stars). 3 submissions from 3 submitters: Likely benign (2). 1 of the submissions does not count toward it. Last evaluated 2025-09-10.

Conditions:
IRF9-related disorder. Also called: IRF9-related condition.

Allele frequency attached by ClinVar (database versions not stated): gnomAD 0.00003 and 0.00004; ExAC 0.00004; gnomAD exomes 0.00005; TOPMed 0.00008; 1000 Genomes Project 30x 0.00016; 1000 Genomes Project 0.00020.
gnomAD v4.1: 82 of 1,611,220 alleles (0.0051%); highest among the groups gnomAD compares: Admixed American, 0.0083%; no homozygotes.

Submissions (3):

Labcorp Genetics (formerly Invitae), Labcorp
Classification: Likely benign. Last evaluated: 2025-09-10. Review status: criteria provided, single submitter. Criteria: Invitae Variant Classification Sherloc (09022015). Collection method: clinical testing. Allele origin: germline.

Blueprint Genetics
Classification: Likely benign. Last evaluated: 2024-04-19. Review status: criteria provided, single submitter. Criteria: ACMG Guidelines, 2015. Collection method: clinical testing. Allele origin: germline.

PreventionGenetics, part of Exact Sciences
Classification: Likely benign for IRF9-related condition. Last evaluated: 2023-11-30. Review status: no assertion criteria provided. Collection method: clinical testing. Allele origin: germline. Not counted in ClinVar's aggregate classification.
Comment: This variant is classified as likely benign based on ACMG/AMP sequence variant interpretation guidelines (Richards et al. 2015 PMID: 25741868, with internal and published modifications).